The following is an entry in ClinVar:

ClinVar aggregate classification (germline): Uncertain significance (1 of 4 stars; one submission).

Conditions:
Deafness-lymphedema-leukemia syndrome. Also called: Lymphedema, primary, with myelodysplasia; Emberger syndrome. Identifiers: Orphanet 3226, MedGen C3279664, MONDO:0013540, OMIM 614038.
Monocytopenia with susceptibility to infections. Also called: MONOCYTOPENIA AND MYCOBACTERIAL INFECTION SYNDROME; MONOCYTOPENIA WITH SUSCEPTIBILITY TO MYCOBACTERIAL, FUNGAL, AND PAPILLOMAVIRUS INFECTIONS AND MYELODYSPLASIA; COMBINED IMMUNODEFICIENCY WITH SUSCEPTIBILITY TO MYCOBACTERIAL, VIRAL, AND FUNGAL INFECTIONS; Dendritic cell, monocyte, B lymphocyte, and natural killer lymphocyte deficiency; IMMUNODEFICIENCY 21; GATA2 DEFICIENCY. Identifiers: Orphanet 228423, MedGen C3280030, MONDO:0013607, OMIM 614172.

Submission:

Labcorp Genetics (formerly Invitae), Labcorp
Classification: Uncertain significance for Monocytopenia with susceptibility to infections; Deafness-lymphedema-leukemia syndrome. Last evaluated: 2023-06-07. Review status: criteria provided, single submitter. Criteria: Invitae Variant Classification Sherloc (09022015). Collection method: clinical testing. Allele origin: germline.
Comment: In summary, the available evidence is currently insufficient to determine the role of this variant in disease. Therefore, it has been classified as a Variant of Uncertain Significance. Advanced modeling of protein sequence and biophysical properties (such as structural, functional, and spatial information, amino acid conservation, physicochemical variation, residue mobility, and thermodynamic stability) performed at Invitae indicates that this missense variant is not expected to disrupt GATA2 protein function. This variant has not been reported in the literature in individuals affected with GATA2-related conditions. This variant is not present in population databases (gnomAD no frequency). This sequence change replaces proline, which is neutral and non-polar, with histidine, which is basic and polar, at codon 439 of the GATA2 protein (p.Pro439His).

NM_032638.5(GATA2):c.1316C>A (p.Pro439His)

Gene: GATA2 (GATA binding protein 2; minus strand). Cytogenetic location: 3q21.3.
Variant type: single nucleotide variant.
Coding change: c.1316C>A on transcript NM_032638.5 (MANE Select); coding-DNA position 1316, C replaced by A.
Protein change: p.Pro439His; replaces proline 439 with histidine.
Molecular consequence: missense variant.
Genome position (GRCh38, 1-based): chr3:128,481,146, G>T on the plus strand (C>A on the coding strand, the complement: GATA2 is on the minus strand). VCF-style: chr3-128481146-G-T. GRCh37 (hg19) VCF-style: chr3-128199989-G-T.
Other names: c.1316C>A, p.Pro439His (NM_001145661.2); c.1274C>A, p.Pro425His (NM_001145662.1); short protein forms P425H, P439H.
Identifiers: ClinVar variation 2947934 (VCV002947934.3), dbSNP rs762576353, ClinGen allele CA354412784.